The following is an entry in ClinVar:

ClinVar aggregate classification (germline): Likely pathogenic (1 of 4 stars; one submission).

Conditions:
Dilated cardiomyopathy 1G (CMD1G). Identifiers: Orphanet 154, MedGen C1858763, MONDO:0011400, OMIM 604145.
Autosomal recessive limb-girdle muscular dystrophy type 2J (LGMDR10). Also called: MUSCULAR DYSTROPHY, LIMB-GIRDLE, AUTOSOMAL RECESSIVE 10; Limb-girdle muscular dystrophy, type 2J. Identifiers: Orphanet 140922, MedGen C1837342, MONDO:0012127, OMIM 608807.

Submission:

Labcorp Genetics (formerly Invitae), Labcorp
Classification: Likely pathogenic for Dilated cardiomyopathy 1G; Autosomal recessive limb-girdle muscular dystrophy type 2J. Last evaluated: 2022-05-05. Review status: criteria provided, single submitter. Criteria: Invitae Variant Classification Sherloc (09022015). Collection method: clinical testing. Allele origin: germline.
Comment: This variant has not been reported in the literature in individuals affected with TTN-related conditions. This variant is not present in population databases (gnomAD no frequency). This sequence change creates a premature translational stop signal (p.Leu24280*) in the TTN gene. While this is not anticipated to result in nonsense mediated decay, it is expected to create a truncated TTN protein. In summary, the currently available evidence indicates that the variant is pathogenic, but additional data are needed to prove that conclusively. Therefore, this variant has been classified as Likely Pathogenic. This variant is located in the A band of TTN (PMID: 25589632). Truncating variants in this region are significantly overrepresented in patients affected with dilated cardiomyopathy (PMID: 25589632). Truncating variants in this region have also been reported in individuals affected with autosomal recessive centronuclear myopathy (PMID: 23975875).

Literature cited by the submitters: PubMed 25589632; PubMed 23975875.

NM_001267550.2(TTN):c.72839T>G (p.Leu24280Ter)

Genes: TTN-AS1 (TTN antisense RNA 1; plus strand), TTN (titin; minus strand). Cytogenetic location: 2q31.2.
Variant type: single nucleotide variant.
Coding change: c.72839T>G on transcript NM_001267550.2 (MANE Select); coding-DNA position 72839, T replaced by G.
Protein change: p.Leu24280Ter; replaces leucine 24280 with a stop codon.
Molecular consequence: nonsense.
Genome position (GRCh38, 1-based): chr2:178,573,293, A>C on the plus strand (T>G on the coding strand, the complement: TTN is on the minus strand). VCF-style: chr2-178573293-A-C. GRCh37 (hg19) VCF-style: chr2-179438020-A-C.
Other names: c.67916T>G, p.Leu22639Ter (NM_001256850.1); c.45644T>G, p.Leu15215Ter (NM_003319.4); c.65135T>G, p.Leu21712Ter (NM_133378.4); c.46019T>G, p.Leu15340Ter (NM_133432.3); c.46220T>G, p.Leu15407Ter (NM_133437.4); short protein forms L22639*, L21712*, L15215*, L15340*, L15407*, L24280*.
Identifiers: ClinVar variation 2134190 (VCV002134190.4), dbSNP rs2468577841, ClinGen allele CA349645190.